The following is an entry in ClinVar:

ClinVar aggregate classification (germline): Uncertain significance. Review status: criteria provided, multiple submitters, no conflicts (2 of 4 stars). 2 submissions from 2 submitters: Uncertain significance (2). Last evaluated 2023-11-08.

Submissions (2):

Blueprint Genetics
Classification: Uncertain significance. Last evaluated: 2023-11-08. Review status: criteria provided, single submitter. Criteria: ACMG Guidelines, 2015. Collection method: clinical testing. Allele origin: germline.

Labcorp Genetics (formerly Invitae), Labcorp
Classification: Uncertain significance. Last evaluated: 2022-08-16. Review status: criteria provided, single submitter. Criteria: Invitae Variant Classification Sherloc (09022015). Collection method: clinical testing. Allele origin: germline.
Comment: In summary, the available evidence is currently insufficient to determine the role of this variant in disease. Therefore, it has been classified as a Variant of Uncertain Significance. Advanced modeling of protein sequence and biophysical properties (such as structural, functional, and spatial information, amino acid conservation, physicochemical variation, residue mobility, and thermodynamic stability) performed at Invitae indicates that this missense variant is not expected to disrupt CPLANE1 protein function. ClinVar contains an entry for this variant (Variation ID: 1492624). This variant has not been reported in the literature in individuals affected with CPLANE1-related conditions. This variant is not present in population databases (gnomAD no frequency). This sequence change replaces asparagine, which is neutral and polar, with serine, which is neutral and polar, at codon 41 of the CPLANE1 protein (p.Asn41Ser).

NM_001384732.1(CPLANE1):c.122A>G (p.Asn41Ser)

Gene: CPLANE1 (ciliogenesis and planar polarity effector complex subunit 1; minus strand). Cytogenetic location: 5p13.2.
Variant type: single nucleotide variant.
Coding change: c.122A>G on transcript NM_001384732.1 (MANE Select); coding-DNA position 122, A replaced by G.
Protein change: p.Asn41Ser; replaces asparagine 41 with serine.
Molecular consequence: missense variant.
Genome position (GRCh38, 1-based): chr5:37,245,805, T>C on the plus strand (A>G on the coding strand, the complement: CPLANE1 is on the minus strand). VCF-style: chr5-37245805-T-C. GRCh37 (hg19) VCF-style: chr5-37245907-T-C.
Other names: c.122A>G, p.Asn41Ser (NM_023073.4); short protein forms N41S.
Identifiers: ClinVar variation 1492624 (VCV001492624.9), dbSNP rs2150828903, ClinGen allele CA359524706.